The following is an entry in ClinVar:

NM_007194.4(CHEK2):c.698A>C (p.Glu233Ala)

Gene: CHEK2 (checkpoint kinase 2; minus strand). Cytogenetic location: 22q12.1.
Variant type: single nucleotide variant.
Coding change: c.698A>C on transcript NM_007194.4 (MANE Select); coding-DNA position 698, A replaced by C.
Protein change: p.Glu233Ala; replaces glutamic acid 233 with alanine.
Molecular consequence: missense variant.
Genome position (GRCh38, 1-based): chr22:28,712,003, T>G on the plus strand (A>C on the coding strand, the complement: CHEK2 is on the minus strand). VCF-style: chr22-28712003-T-G. GRCh37 (hg19) VCF-style: chr22-29107991-T-G.
Other names: c.827A>C, p.Glu276Ala (NM_001005735.3); c.35A>C, p.Glu12Ala (NM_001257387.3); c.497A>C, p.Glu166Ala (NM_001349956.3); c.698A>C, p.Glu233Ala (NM_145862.3); short protein forms E166A, E12A, E233A, E276A.
Identifiers: ClinVar variation 1035446 (VCV001035446.7), dbSNP rs1601783933, ClinGen allele CA411103469.

ClinVar aggregate classification (germline): Uncertain significance (1 of 4 stars; one submission).

Conditions:
Familial cancer of breast. Also called: Hereditary breast cancer; BREAST CANCER, FAMILIAL; hereditary breast carcinoma. Identifiers: Orphanet 227535, MedGen C0346153, MONDO:0016419, OMIM 114480. Disease mechanism: loss of function.

Submission:

Labcorp Genetics (formerly Invitae), Labcorp
Classification: Uncertain significance for Familial cancer of breast. Last evaluated: 2024-08-15. Review status: criteria provided, single submitter. Criteria: Invitae Variant Classification Sherloc (09022015). Collection method: clinical testing. Allele origin: germline.
Comment: This sequence change replaces glutamic acid, which is acidic and polar, with alanine, which is neutral and non-polar, at codon 233 of the CHEK2 protein (p.Glu233Ala). This variant is not present in population databases (gnomAD no frequency). This variant has not been reported in the literature in individuals affected with CHEK2-related conditions. ClinVar contains an entry for this variant (Variation ID: 1035446). An algorithm developed to predict the effect of missense changes on protein structure and function (PolyPhen-2) suggests that this variant is likely to be disruptive. In summary, the available evidence is currently insufficient to determine the role of this variant in disease. Therefore, it has been classified as a Variant of Uncertain Significance.